The following is an entry in ClinVar:

ClinVar aggregate classification (germline): Uncertain significance. Review status: criteria provided, multiple submitters, no conflicts (2 of 4 stars). 5 submissions from 4 submitters: Uncertain significance (4). 1 of the submissions does not count toward it. Last evaluated 2025-03-26.

Conditions:
Cardiovascular phenotype. Identifiers: MedGen CN230736.
Ehlers-Danlos syndrome due to tenascin-X deficiency (EDSCLL1). Also called: EDS DUE TO TNX DEFICIENCY; TNX DEFICIENCY; EHLERS-DANLOS SYNDROME, CLASSIC-LIKE; Ehlers-Danlos syndrome, classic-like, 1; TNXB-Related Classical-Like Ehlers-Danlos Syndrome. Identifiers: Orphanet 230839, MedGen C1848029, MONDO:0011670, OMIM 606408.

Allele frequency attached by ClinVar (database versions not stated): gnomAD exomes 0.00005; ExAC 0.00009.
gnomAD v4.1: 60 of 1,612,532 alleles (0.0037%); highest among the groups gnomAD compares: Middle Eastern, 0.016%; no homozygotes.

Submissions (5):

GeneDx
Classification: Uncertain significance. Last evaluated: 2025-03-26. Review status: criteria provided, single submitter. Criteria: GeneDx Variant Classification Process June 2021. Collection method: clinical testing. Allele origin: germline. Affected: yes.
Comment: Identified in a patient with spondyloepiphyseal dysplasia in published literature (PMID: 36703223); In silico analysis supports that this missense variant has a deleterious effect on protein structure/function; This variant is associated with the following publications: (PMID: 36703223)

Mayo Clinic Laboratories, Mayo Clinic
Classification: Uncertain significance. Last evaluated: 2025-02-24. Review status: criteria provided, single submitter. Criteria: ACMG Guidelines, 2015. Collection method: clinical testing. Allele origin: germline. Observed: 2 variant alleles.
Comment: BP4

Ambry Genetics
Classification: Uncertain significance for Cardiovascular phenotype. Last evaluated: 2024-06-27. Review status: criteria provided, single submitter. Criteria: Ambry Variant Classification Scheme 2023. Collection method: clinical testing. Allele origin: germline.
Comment: The p.R2487C variant (also known as c.7459C>T), located in coding exon 20 of the TNXB gene, results from a C to T substitution at nucleotide position 7459. The arginine at codon 2487 is replaced by cysteine, an amino acid with highly dissimilar properties. This amino acid position is highly conserved in available vertebrate species. In addition, this alteration is predicted to be tolerated by in silico analysis. Based on the available evidence, the clinical significance of this variant remains unclear.

Dubai Health Genomic Medicine Center, Dubai Health
Classification: Uncertain significance. Last evaluated: 2022-12-17. Review status: criteria provided, single submitter. Criteria: ACMG Guidelines, 2015. Collection method: clinical testing. Allele origin: germline. Affected: yes.

Dubai Health Genomic Medicine Center, Dubai Health
Classification: Uncertain significance for Ehlers-Danlos syndrome due to tenascin-X deficiency. Last evaluated: 2020-04-02. Review status: flagged submission. Criteria: ACMG Guidelines, 2015. Collection method: clinical testing. Allele origin: germline. Affected: yes. Not counted in ClinVar's aggregate classification.
Comment: The p.Arg2487Cys missense variant in TNXB has not been previously reported in individuals with disease but was identified 12/110288 (0.01% 0 homozygotes) European (Non-Finnish) alleles in the Genome Aggregation Database (gnomAD). Computational prediction tools and conservation analyses suggest an impact to protein function though this information is not predictive enough to confirm pathogenicity. In summary additional information is needed to fully assess the clinical significance of this variant.
ClinVar note: Reason: This record appears to be redundant with a more recent record from the same submitter.
ClinVar note: Notes: SCV001984506 appears to be redundant with SCV002774986.

Literature cited by the submitters: PubMed 36703223 (cited by Mayo Clinic Laboratories, Mayo Clinic).

NM_001365276.2(TNXB):c.7459C>T (p.Arg2487Cys)

Gene: TNXB (tenascin XB; minus strand). Cytogenetic location: 6p21.33.
Variant type: single nucleotide variant.
Coding change: c.7459C>T on transcript NM_001365276.2 (MANE Select); coding-DNA position 7459, C replaced by T.
Protein change: p.Arg2487Cys; replaces arginine 2487 with cysteine.
Molecular consequence: missense variant.
Genome position (GRCh38, 1-based): chr6:32,061,430, G>A on the plus strand (C>T on the coding strand, the complement: TNXB is on the minus strand). VCF-style: chr6-32061430-G-A. GRCh37 (hg19) VCF-style: chr6-32029207-G-A.
Other names: p.Arg2487Cys; c.7459C>T, p.Arg2487Cys (NM_019105.8); short protein forms R2487C.
Identifiers: ClinVar variation 1301757 (VCV001301757.11), dbSNP rs747880757, ClinGen allele CA3734150.